The following is an entry in ClinVar:

NM_001365276.2(TNXB):c.440del (p.Gly147fs)

Gene: TNXB (tenascin XB; minus strand). Cytogenetic location: 6p21.33.
Variant type: Deletion.
Coding change: c.440del on transcript NM_001365276.2 (MANE Select); coding-DNA position 440, one base deleted (G; older notation c.440delG).
Protein change: p.Gly147fs; shifts the reading frame from glycine 147.
Molecular consequence: frameshift variant.
Genome position (GRCh38, 1-based): chr6:32,097,413, C deleted on the plus strand (G on the coding strand, the reverse complement: TNXB is on the minus strand); the first of 2 consecutive C bases (chr6:32,097,413-32,097,414); deleting either gives the same sequence. VCF-style (leftmost placement, unchanged base first): chr6-32097412-AC-A. GRCh37 (hg19) VCF-style: chr6-32065189-AC-A.
Other names: c.440del, p.Gly147fs (NM_001428335.1, NM_019105.8); short protein forms G147fs.
Identifiers: ClinVar variation 5014807 (VCV005014807.1).
Genomic context (GRCh38, chr6:32,097,412, plus strand): 5'-GCAGGTGGGCCCACCCCAGCCTGGCTCACAGGAACAGGTGCAGCGGCTCAGATCAAACAC[AC>A]CATGGAGACTGCAGAGGGTCCGCACATCTGTCTGACCTGGAGTAGGAGGGGAGAGGCAAG-3'

ClinVar aggregate classification (germline): Pathogenic (1 of 4 stars; one submission).

Conditions:
Ehlers-Danlos syndrome due to tenascin-X deficiency (EDSCLL1). Also called: EDS DUE TO TNX DEFICIENCY; TNX DEFICIENCY; Ehlers-Danlos syndrome, classic-like, 1; EHLERS-DANLOS SYNDROME, CLASSIC-LIKE; TNXB-Related Classical-Like Ehlers-Danlos Syndrome. Identifiers: Orphanet 230839, MedGen C1848029, MONDO:0011670, OMIM 606408.

Submission:

Myriad Genetics, Inc.
Classification: Pathogenic for Ehlers-Danlos syndrome due to tenascin-X deficiency. Last evaluated: 2025-08-03. Review status: criteria provided, single submitter. Criteria: Myriad Autosomal Dominant, Autosomal Recessive and X-Linked Classification Criteria (2023). Collection method: clinical testing. Allele origin: unknown.
Comment: NM_019105.6(TNXB):c.440delG(G147Vfs*5) is expected to be pathogenic in the context of classical-like Ehlers-Danlos syndrome, TNXB-related. This variant is predicted to lead to an abnormal or absent protein product due to the creation of a premature termination codon in TNXB, a gene where loss-of-function variants are known to be pathogenic. Please note: this variant was assessed in the context of healthy population screening.